The following is an entry in ClinVar:

Conditions:
Long QT syndrome 5 (LQT5). Identifiers: Orphanet 101016, Orphanet 768, MedGen C1867904, MONDO:0013372, OMIM 613695.

Submission:

Roden Lab, Vanderbilt University Medical Center
No classification provided (evidence only). Condition: Long QT syndrome 5. Review status: no classification provided. Collection method: in vitro. Allele origin: not applicable. Functional consequence: Effect on ion channel function.
ClinVar note: "not provided" was previously submitted as the classification for the variant. However, the classification appeared to be based only on an observation of functional data so it was converted to no classification on 2025-07-30.

NM_000219.6(KCNE1):c.152T>A (p.Leu51Gln)

Gene: KCNE1 (potassium voltage-gated channel subfamily E regulatory subunit 1; minus strand). Cytogenetic location: 21q22.12.
Variant type: single nucleotide variant.
Coding change: c.152T>A on transcript NM_000219.6 (MANE Select); coding-DNA position 152, T replaced by A.
Protein change: p.Leu51Gln; replaces leucine 51 with glutamine.
Molecular consequence: missense variant.
Genome position (GRCh38, 1-based): chr21:34,449,483, A>T on the plus strand (T>A on the coding strand, the complement: KCNE1 is on the minus strand). VCF-style: chr21-34449483-A-T. GRCh37 (hg19) VCF-style: chr21-35821781-A-T.
Other names: c.152T>A, p.Leu51Gln (NM_001127668.4, NM_001127669.4, NM_001127670.4 and 4 more transcripts); short protein forms L51Q.
Identifiers: ClinVar variation 3374183 (VCV003374183.2).